The following is an entry in ClinVar:

NM_014845.6(FIG4):c.1225C>T (p.His409Tyr)

Gene: FIG4 (FIG4 phosphoinositide 5-phosphatase; plus strand). Cytogenetic location: 6q21.
Variant type: single nucleotide variant.
Coding change: c.1225C>T on transcript NM_014845.6 (MANE Select); coding-DNA position 1225, C replaced by T.
Protein change: p.His409Tyr; replaces histidine 409 with tyrosine.
Molecular consequence: missense variant.
Genome position (GRCh38, 1-based): chr6:109,760,337, C>T. VCF-style: chr6-109760337-C-T. GRCh37 (hg19) VCF-style: chr6-110081540-C-T.
Other names: short protein forms H409Y.
Identifiers: ClinVar variation 1364197 (VCV001364197.8), dbSNP rs748995164, ClinGen allele CA365225397.

ClinVar aggregate classification (germline): Uncertain significance (1 of 4 stars; one submission).

Conditions:
Charcot-Marie-Tooth disease type 4. Also called: Charcot-Marie-Tooth, Type 4; Charcot-Marie-Tooth disease, type IV. Identifiers: Orphanet 64749, MedGen C4082197, MONDO:0018995.

gnomAD v4.1: 1 of 1,612,484 alleles (0.000062%); highest among the groups gnomAD compares: Non-Finnish European, 0.000085%; no homozygotes.

Submission:

Labcorp Genetics (formerly Invitae), Labcorp
Classification: Uncertain significance for Charcot-Marie-Tooth disease type 4. Last evaluated: 2022-09-26. Review status: criteria provided, single submitter. Criteria: Invitae Variant Classification Sherloc (09022015). Collection method: clinical testing. Allele origin: germline.
Comment: In summary, the available evidence is currently insufficient to determine the role of this variant in disease. Therefore, it has been classified as a Variant of Uncertain Significance. This sequence change replaces histidine, which is basic and polar, with tyrosine, which is neutral and polar, at codon 409 of the FIG4 protein (p.His409Tyr). This variant is not present in population databases (gnomAD no frequency). This variant has not been reported in the literature in individuals affected with FIG4-related conditions. ClinVar contains an entry for this variant (Variation ID: 1364197). Algorithms developed to predict the effect of missense changes on protein structure and function are either unavailable or do not agree on the potential impact of this missense change (SIFT: "Deleterious"; PolyPhen-2: "Benign"; Align-GVGD: "Class C0").